The following is an entry in ClinVar:

NM_000465.4(BARD1):c.1366_1369delinsCTT (p.Val456fs)

Gene: BARD1 (BRCA1 associated RING domain 1; minus strand). Cytogenetic location: 2q35.
Variant type: Indel.
Coding change: c.1366_1369delinsCTT on transcript NM_000465.4 (MANE Select); coding-DNA positions 1366 to 1369, GTTA replaced by CTT.
Protein change: p.Val456fs; shifts the reading frame from valine 456.
Molecular consequence: frameshift variant. On other transcripts: non-coding transcript variant (3), intron variant (3).
Genome position (GRCh38, 1-based): chr2:214,769,258-214,769,261, TAAC replaced by AAG on the plus strand (GTTA replaced by CTT on the coding strand, the reverse complement: BARD1 is on the minus strand). VCF-style: chr2-214769258-TAAC-AAG. GRCh37 (hg19) VCF-style: chr2-215633982-TAAC-AAG.
Other names: c.1309_1312delinsCTT, p.Val437fs (NM_001282543.2); c.159-16706_159-16703delinsCTT (NM_001282548.2); c.216-16706_216-16703delinsCTT (NM_001282545.2); c.364+23036_364+23039delinsCTT (NM_001282549.2); short protein forms V437fs, V456fs.
Identifiers: ClinVar variation 969865 (VCV000969865.7), dbSNP rs1694360411, ClinGen allele CA1139655688.

ClinVar aggregate classification (germline): Pathogenic (1 of 4 stars; one submission).

Conditions:
Familial cancer of breast. Also called: hereditary breast carcinoma; Hereditary breast cancer; BREAST CANCER, FAMILIAL. Identifiers: Orphanet 227535, MedGen C0346153, MONDO:0016419, OMIM 114480. Disease mechanism: loss of function.

Submission:

Labcorp Genetics (formerly Invitae), Labcorp
Classification: Pathogenic for Familial cancer of breast. Last evaluated: 2019-03-20. Review status: criteria provided, single submitter. Criteria: Invitae Variant Classification Sherloc (09022015). Collection method: clinical testing. Allele origin: germline.
Comment: This sequence change creates a premature translational stop signal (p.Val456Leufs*19) in the BARD1 gene. It is expected to result in an absent or disrupted protein product. This variant is not present in population databases (ExAC no frequency). This variant has not been reported in the literature in individuals with BARD1-related conditions. Loss-of-function variants in BARD1 are known to be pathogenic (PMID: 20077502, 21344236). For these reasons, this variant has been classified as Pathogenic.

Literature cited by the submitters: PubMed 20077502; PubMed 21344236.